The following is an entry in ClinVar:

ClinVar aggregate classification (germline): Pathogenic (1 of 4 stars; one submission).

Submission:

Labcorp Genetics (formerly Invitae), Labcorp
Classification: Pathogenic. Last evaluated: 2022-12-15. Review status: criteria provided, single submitter. Criteria: Invitae Variant Classification Sherloc (09022015). Collection method: clinical testing. Allele origin: germline.
Comment: For these reasons, this variant has been classified as Pathogenic. This variant has not been reported in the literature in individuals affected with HNF4A-related conditions. This variant is a gross deletion of the genomic region encompassing exon(s) 1 of the HNF4A gene, which includes the initiator codon. This deletion extends beyond the assayed region for this gene and therefore may encompass additional genes. It is expected to result in an absent or disrupted protein product. Loss-of-function variants in HNF4A are known to be pathogenic (PMID: 20164212, 23275527, 23348805, 24097065).

Literature cited by the submitters: PubMed 20164212; PubMed 23275527; PubMed 23348805; PubMed 24097065.

NC_000020.10:g.(?_42984253)_(42984513_?)del

Gene: HNF4A (hepatocyte nuclear factor 4 alpha; plus strand). Cytogenetic location: 20q13.12.
Variant type: Deletion.
Identifiers: ClinVar variation 1459983 (VCV001459983.5).